The following is an entry in ClinVar:

NM_000540.3(RYR1):c.14002C>T (p.Pro4668Ser)

Gene: RYR1 (ryanodine receptor 1; plus strand). Cytogenetic location: 19q13.2.
Variant type: single nucleotide variant.
Coding change: c.14002C>T on transcript NM_000540.3 (MANE Select); coding-DNA position 14002, C replaced by T.
Protein change: p.Pro4668Ser; replaces proline 4668 with serine.
Molecular consequence: missense variant.
Genome position (GRCh38, 1-based): chr19:38,573,180, C>T. VCF-style: chr19-38573180-C-T. GRCh37 (hg19) VCF-style: chr19-39063820-C-T.
Other names: c.14002C>T (NM_000540.2); c.13987C>T, p.Pro4663Ser (NM_001042723.2); short protein forms P4668S, P4663S.
Identifiers: ClinVar variation 133056 (VCV000133056.4), dbSNP rs193922863, ClinGen allele CA024099.

ClinVar aggregate classification (germline): Uncertain significance. Review status: reviewed by expert panel (3 of 4 stars). 2 submissions from 2 submitters: Uncertain significance (1). 1 of the submissions does not count toward it. Last evaluated 2025-08-01.

Conditions:
Malignant hyperthermia of anesthesia. Also called: Anesthesic-triggered malignant hyperthermia. Identifiers: Orphanet 423, MedGen C0024591, MONDO:0018493, HP:0034733.

Allele frequency attached by ClinVar (database versions not stated): gnomAD exomes 0.00002; gnomAD 0.00001; ExAC 0.00002.
gnomAD v4.1: 11 of 1,613,662 alleles (0.00068%); highest among the groups gnomAD compares: Non-Finnish European, 0.000085%; no homozygotes.

Submissions (2):

ClinGen Malignant Hyperthermia Susceptibility Variant Curation Expert Panel, ClinGen
Classification: Uncertain significance for Malignant hyperthermia of anesthesia. Last evaluated: 2025-08-01. Review status: reviewed by expert panel. Criteria: ClinGen MHS ACMG Specifications V2. Collection method: curation. Allele origin: germline. Inheritance: Autosomal dominant inheritance.
Comment: This pathogenicity assessment is relevant only for malignant hyperthermia susceptibility (MHS) inherited in an autosomal dominant pattern. Variants in RYR1 can also cause other myopathies inherited in an autosomal dominant pattern or in an autosomal recessive pattern. Some of these disorders may predispose individuals to malignant hyperthermia. RYR1 variants may also contribute to a malignant hyperthermia reaction in combination with other genetic and non-genetic factors and the clinician needs to consider such factors in making management decisions. This sequence variant predicts a substitution of proline with serine at codon 4668 of the RYR1 protein, p.(Pro4668Ser). The maximum allele frequency for this variant among the six major gnomAD populations is NFE: 0.00000799, a frequency consistent with pathogenicity for MHS. This individual did not have a positive in vitro contracture test (IVCT) or caffeine halothane contracture test (CHCT) result (PMID: 11928716), as well this individual had a second RYR1 variant, p.(Leu4838Val), that is classified as Likely Pathogenic, PS4 was not implemented. No functional studies were identified for this variant. This variant resides in a region of RYR1 considered to be a hotspot for pathogenic variants that contribute to MHS, PM1_Sup (PMID: 21118704). A REVEL score >0.85 (0.888) supports a pathogenic status for this variant, PP3_Moderate. This variant has been classified as a Variant of Unknown Significance. Criteria implemented: PM1_Supporting, PP3_Moderate.

RYR1 database
No classification provided. Review status: no classification provided. Collection method: not provided. Allele origin: unknown. Not counted in ClinVar's aggregate classification.